The following is an entry in ClinVar:

NM_001287.6(CLCN7):c.722G>A (p.Gly241Asp)

Gene: CLCN7 (Cl-/H+ antiporter 7; minus strand). Cytogenetic location: 16p13.3.
Variant type: single nucleotide variant.
Coding change: c.722G>A on transcript NM_001287.6 (MANE Select); coding-DNA position 722, G replaced by A.
Protein change: p.Gly241Asp; replaces glycine 241 with aspartic acid.
Molecular consequence: missense variant.
Genome position (GRCh38, 1-based): chr16:1,457,710, C>T on the plus strand (G>A on the coding strand, the complement: CLCN7 is on the minus strand). VCF-style: chr16-1457710-C-T. GRCh37 (hg19) VCF-style: chr16-1507711-C-T.
Other names: c.650G>A, p.Gly217Asp (NM_001114331.3); c.722G>A (NM_001287.4); short protein forms G217D, G241D.
Identifiers: ClinVar variation 1372958 (VCV001372958.7), dbSNP rs770362140, ClinGen allele CA7810630.

ClinVar aggregate classification (germline): Uncertain significance. Review status: criteria provided, multiple submitters, no conflicts (2 of 4 stars). 2 submissions from 2 submitters: Uncertain significance (2). Last evaluated 2026-04-08.

Conditions:
Inborn genetic diseases. Identifiers: MedGen C0950123, MeSH D030342.

Allele frequency attached by ClinVar (database versions not stated): ExAC 0.00002; gnomAD exomes 0.00002.

Submissions (2):

Ambry Genetics
Classification: Uncertain significance for Inborn genetic diseases. Last evaluated: 2026-04-08. Review status: criteria provided, single submitter. Criteria: Ambry Variant Classification Scheme 2023. Collection method: clinical testing. Allele origin: germline.
Comment: The c.722G>A (p.G241D) alteration is located in exon 8 (coding exon 8) of the CLCN7 gene. This alteration results from a G to A substitution at nucleotide position 722, causing the glycine (G) at amino acid position 241 to be replaced by an aspartic acid (D). Based on data from gnomAD, the A allele has an overall frequency of 0.002% (4/250634) total alleles studied. The highest observed frequency was 0.012% (4/34586) of Latino alleles. Based on insufficient or conflicting evidence, the clinical significance of this alteration remains unclear.

Labcorp Genetics (formerly Invitae), Labcorp
Classification: Uncertain significance. Last evaluated: 2025-07-01. Review status: criteria provided, single submitter. Criteria: Invitae Variant Classification Sherloc (09022015). Collection method: clinical testing. Allele origin: germline.
Comment: This sequence change replaces glycine, which is neutral and non-polar, with aspartic acid, which is acidic and polar, at codon 241 of the CLCN7 protein (p.Gly241Asp). This variant is present in population databases (rs770362140, gnomAD 0.01%). This variant has not been reported in the literature in individuals affected with CLCN7-related conditions. ClinVar contains an entry for this variant (Variation ID: 1372958). Invitae Evidence Modeling of protein sequence and biophysical properties (such as structural, functional, and spatial information, amino acid conservation, physicochemical variation, residue mobility, and thermodynamic stability) indicates that this missense variant is expected to disrupt CLCN7 protein function with a positive predictive value of 95%. In summary, the available evidence is currently insufficient to determine the role of this variant in disease. Therefore, it has been classified as a Variant of Uncertain Significance.